The following is an entry in ClinVar:

NM_198525.3(KIF7):c.2173G>A (p.Gly725Ser)

Gene: KIF7 (kinesin family member 7; minus strand). Cytogenetic location: 15q26.1.
Variant type: single nucleotide variant.
Coding change: c.2173G>A on transcript NM_198525.3 (MANE Select); coding-DNA position 2173, G replaced by A.
Protein change: p.Gly725Ser; replaces glycine 725 with serine.
Molecular consequence: missense variant.
Genome position (GRCh38, 1-based): chr15:89,645,031, C>T on the plus strand (G>A on the coding strand, the complement: KIF7 is on the minus strand). VCF-style: chr15-89645031-C-T. GRCh37 (hg19) VCF-style: chr15-90188262-C-T.
Other names: short protein forms G725S.
Identifiers: ClinVar variation 798140 (VCV000798140.18), dbSNP rs150227461, ClinGen allele CA7728306.
Genomic context (GRCh38, chr15:89,645,031, plus strand): 5'-GTCCCCCTCGGGTGAGAGGCCCACCTGATGCCCACGCCTCACCTGTGCGGACCAGCTCGC[C>T]AATAAGCTCCTCCTTCATGCGGATGTTGATAGCCAGCTCCCGGATCTTCTGCTGGGCCTG-3'
Protein context (NP_940927.2, residues 715-735): INIRMKEELI[Gly725Ser]ELVRTGKAAQ

ClinVar aggregate classification (germline): Conflicting classifications of pathogenicity. Review status: criteria provided, conflicting classifications (1 of 4 stars). 7 submissions from 7 submitters: Uncertain significance (1); Likely benign (3). 3 of the submissions do not count toward it. Last evaluated 2025-12-15.

Conditions:
KIF7-related disorder. Also called: KIF7-related condition.
Acrocallosal syndrome (ACLS). Also called: Schinzel syndrome 1; Absence of corpus callosum with unusual facial appearance, mental deficiency, duplication of the halluces and polydactyly; HALLUX DUPLICATION, POSTAXIAL POLYDACTYLY, AND ABSENCE OF CORPUS CALLOSUM. Identifiers: Orphanet 36, MedGen C0796147, MONDO:0008708, OMIM 200990.
Multiple epiphyseal dysplasia, Al-Gazali type. Also called: Macrocephaly with multiple epiphyseal dysplasia and distinctive facies. Identifiers: Orphanet 166024, MedGen C1846722, MONDO:0011778, OMIM 607131.
Hydrolethalus syndrome 2 (HLS2). Identifiers: Orphanet 2189, MedGen C3279899, MONDO:0013585, OMIM 614120.

Allele frequency attached by ClinVar (database versions not stated): gnomAD exomes 0.00007 and 0.00024; ExAC 0.00021; 1000 Genomes Project 0.00060; 1000 Genomes Project 30x 0.00062; gnomAD 0.00064 and 0.00069; ESP Exome Variant Server 0.00077; TOPMed 0.00090.
gnomAD v4.1: 216 of 1,608,174 alleles (0.013%); highest among the groups gnomAD compares: African/African-American, 0.19%; no homozygotes.

Submissions (7):

Labcorp Genetics (formerly Invitae), Labcorp
Classification: Likely benign for Acrocallosal syndrome. Last evaluated: 2025-12-15. Review status: criteria provided, single submitter. Criteria: Invitae Variant Classification Sherloc (09022015). Collection method: clinical testing. Allele origin: germline.

Blueprint Genetics
Classification: Likely benign. Last evaluated: 2022-09-02. Review status: criteria provided, single submitter. Criteria: ACMG Guidelines, 2015. Collection method: clinical testing. Allele origin: germline.

Department of Pathology and Laboratory Medicine, Sinai Health System
Classification: Uncertain significance for Acrocallosal syndrome; Multiple epiphyseal dysplasia, Al-Gazali type; Hydrolethalus syndrome 2. Last evaluated: 2022-03-22. Review status: criteria provided, single submitter. Criteria: ACMG Guidelines, 2015. Collection method: research. Allele origin: germline.

Breakthrough Genomics
Classification: Likely benign. Review status: criteria provided, single submitter. Criteria: ACMG Guidelines, 2015. Collection method: not provided. Allele origin: germline. Inheritance: Autosomal recessive inheritance. Affected: yes.

PreventionGenetics, part of Exact Sciences
Classification: Likely benign for KIF7-related condition. Last evaluated: 2022-03-30. Review status: no assertion criteria provided. Collection method: clinical testing. Allele origin: germline. Not counted in ClinVar's aggregate classification.
Comment: This variant is classified as likely benign based on ACMG/AMP sequence variant interpretation guidelines (Richards et al. 2015 PMID: 25741868, with internal and published modifications).

Clinical Genetics DNA and cytogenetics Diagnostics Lab, Erasmus MC, Erasmus Medical Center
Classification: Likely benign. Review status: no assertion criteria provided. Collection method: clinical testing. Allele origin: germline. Affected: yes. Study: VKGL Data-share Consensus. Not counted in ClinVar's aggregate classification.

Laboratory of Diagnostic Genome Analysis, Leiden University Medical Center (LUMC)
Classification: Likely benign. Review status: no assertion criteria provided. Collection method: clinical testing. Allele origin: germline. Affected: yes. Study: VKGL Data-share Consensus. Not counted in ClinVar's aggregate classification.